The following is an entry in ClinVar:

ClinVar aggregate classification (germline): Pathogenic. Review status: criteria provided, multiple submitters, no conflicts (2 of 4 stars). 3 submissions from 3 submitters: Pathogenic (3). Last evaluated 2025-10-09.

Conditions:
Hereditary nonpolyposis colorectal neoplasms. Identifiers: MedGen C0009405, MeSH D003123.
Lynch syndrome 5 (LYNCH5). Also called: Hereditary non-polyposis colorectal cancer, type 5; Colorectal cancer, hereditary nonpolyposis, type 5. Identifiers: Orphanet 144, MedGen C1833477, MONDO:0013710, OMIM 614350. Disease mechanism: loss of function.
Hereditary cancer-predisposing syndrome. Also called: Hereditary neoplastic syndrome; Neoplastic Syndromes, Hereditary; Hereditary Cancer Syndrome; Tumor predisposition. Identifiers: Orphanet 140162, MedGen C0027672, MeSH D009386, MONDO:0015356.

Submissions (3):

Labcorp Genetics (formerly Invitae), Labcorp
Classification: Pathogenic for Hereditary nonpolyposis colorectal neoplasms. Last evaluated: 2025-10-09. Review status: criteria provided, single submitter. Criteria: Invitae Variant Classification Sherloc (09022015). Collection method: clinical testing. Allele origin: germline.
Comment: This sequence change creates a premature translational stop signal (p.Phe1174Leufs*10) in the MSH6 gene. It is expected to result in an absent or disrupted protein product. Loss-of-function variants in MSH6 are known to be pathogenic (PMID: 18269114, 24362816). Information on the frequency of this variant in the gnomAD database is not available, as this variant may be reported differently in the database. This variant has not been reported in the literature in individuals affected with MSH6-related conditions. For these reasons, this variant has been classified as Pathogenic.

Myriad Genetics, Inc.
Classification: Pathogenic for Lynch syndrome 5. Last evaluated: 2023-08-24. Review status: criteria provided, single submitter. Criteria: Myriad Autosomal Dominant, Autosomal Recessive and X-Linked Classification Criteria (2023). Collection method: clinical testing. Allele origin: unknown.
Comment: This variant is considered pathogenic. This variant creates a frameshift predicted to result in premature protein truncation.

Ambry Genetics
Classification: Pathogenic for Hereditary cancer-predisposing syndrome. Last evaluated: 2023-06-26. Review status: criteria provided, single submitter. Criteria: Ambry Variant Classification Scheme 2023. Collection method: clinical testing. Allele origin: germline.
Comment: The c.3522_3524delTACinsAT pathogenic mutation, located in coding exon 6 of the MSH6 gene, results from the deletion of 3 nucleotides and insertion of two nucleotides causing a translational frameshift with a predicted alternate stop codon (p.F1174Lfs*10). This variant is considered to be rare based on population cohorts in the Genome Aggregation Database (gnomAD). This alteration is expected to result in loss of function by premature protein truncation or nonsense-mediated mRNA decay. As such, this alteration is interpreted as a disease-causing mutation.

Literature cited by the submitters: PubMed 18269114 (cited by Labcorp Genetics (formerly Invitae), Labcorp); PubMed 24362816 (cited by Labcorp Genetics (formerly Invitae), Labcorp).

NM_000179.3(MSH6):c.3522_3524delinsAT (p.Phe1174fs)

Gene: MSH6 (mutS homolog 6; plus strand). Cytogenetic location: 2p16.3.
Variant type: Indel.
Coding change: c.3522_3524delinsAT on transcript NM_000179.3 (MANE Select); coding-DNA positions 3522 to 3524, TAC replaced by AT.
Protein change: p.Phe1174fs; shifts the reading frame from phenylalanine 1174.
Molecular consequence: frameshift variant.
Genome position (GRCh38, 1-based): chr2:47,804,993-47,804,995, TAC replaced by AT. VCF-style: chr2-47804993-TAC-AT. GRCh37 (hg19) VCF-style: chr2-48032132-TAC-AT.
Other names: c.3132_3134delinsAT, p.Phe1044fs (NM_001281492.2); c.2616_2618delinsAT, p.Phe872fs (NM_001281493.2, NM_001281494.2); c.3522_3524delTACinsAT (NM_000179.2); short protein forms F1174fs, F1044fs, F872fs.
Identifiers: ClinVar variation 658964 (VCV000658964.9), dbSNP rs1572738865, ClinGen allele CA915943957.
Genomic context (GRCh38, chr2:47,804,993, plus strand): 5'-CCAGATGGGTTGTTACGTCCCTGCTGAAGTGTGCAGGCTCACACCAATTGATAGAGTGTT[TAC>AT]TAGACTTGGTGCCTCAGACAGAATAATGTCAGGTGAGTTTTTTGTTTCCCACTTAAGTTC-3'